The following is an entry in ClinVar:

NM_014806.5(RUSC2):c.3614C>T (p.Thr1205Met)

Gene: RUSC2 (RUN and SH3 domain containing 2; plus strand). Cytogenetic location: 9p13.3.
Variant type: single nucleotide variant.
Coding change: c.3614C>T on transcript NM_014806.5 (MANE Select); coding-DNA position 3614, C replaced by T.
Protein change: p.Thr1205Met; replaces threonine 1205 with methionine.
Molecular consequence: missense variant. On other transcripts: non-coding transcript variant (1).
Genome position (GRCh38, 1-based): chr9:35,560,254, C>T. VCF-style: chr9-35560254-C-T. GRCh37 (hg19) VCF-style: chr9-35560251-C-T.
Other names: c.3614C>T (NM_001135999.1); c.3614C>T, p.Thr1205Met (NM_001135999.2); c.980C>T, p.Thr327Met (NM_001330740.2); short protein forms T327M, T1205M.
Identifiers: ClinVar variation 1489353 (VCV001489353.7), dbSNP rs781091436, ClinGen allele CA5044199.

ClinVar aggregate classification (germline): Uncertain significance. Review status: criteria provided, multiple submitters, no conflicts (2 of 4 stars). 3 submissions from 3 submitters: Uncertain significance (3). Last evaluated 2026-09-19.

Allele frequency attached by ClinVar (database versions not stated): ExAC 0.00001; gnomAD 0.00002; gnomAD exomes 0.00001; TOPMed 0.00003.
gnomAD v4.1: 24 of 1,595,022 alleles (0.0015%); highest among the groups gnomAD compares: African/African-American, 0.004%; no homozygotes.

Submissions (3):

GeneDx
Classification: Uncertain significance. Last evaluated: 2026-09-19. Review status: criteria provided, single submitter. Criteria: GeneDx Variant Classification Process June 2021. Collection method: clinical testing. Allele origin: germline.
Comment: In silico analysis suggests that this missense variant does not alter protein structure/function; Has not been previously published as pathogenic or benign to our knowledge

Labcorp Genetics (formerly Invitae), Labcorp
Classification: Uncertain significance. Last evaluated: 2024-02-15. Review status: criteria provided, single submitter. Criteria: Invitae Variant Classification Sherloc (09022015). Collection method: clinical testing. Allele origin: germline.
Comment: This sequence change replaces threonine, which is neutral and polar, with methionine, which is neutral and non-polar, at codon 1205 of the RUSC2 protein (p.Thr1205Met). This variant is present in population databases (rs781091436, gnomAD 0.005%). This variant has not been reported in the literature in individuals affected with RUSC2-related conditions. ClinVar contains an entry for this variant (Variation ID: 1489353). An algorithm developed to predict the effect of missense changes on protein structure and function (PolyPhen-2) suggests that this variant is likely to be disruptive. In summary, the available evidence is currently insufficient to determine the role of this variant in disease. Therefore, it has been classified as a Variant of Uncertain Significance.

Ambry Genetics
Classification: Uncertain significance. Last evaluated: 2021-11-15. Review status: criteria provided, single submitter. Criteria: Ambry Variant Classification Scheme 2023. Collection method: clinical testing. Allele origin: germline.